The following is an entry in ClinVar:

NM_030962.4(SBF2):c.766C>A (p.Pro256Thr)

Gene: SBF2 (SET binding factor 2; minus strand). Cytogenetic location: 11p15.4.
Variant type: single nucleotide variant.
Coding change: c.766C>A on transcript NM_030962.4 (MANE Select); coding-DNA position 766, C replaced by A.
Protein change: p.Pro256Thr; replaces proline 256 with threonine.
Molecular consequence: missense variant.
Genome position (GRCh38, 1-based): chr11:10,001,009, G>T on the plus strand (C>A on the coding strand, the complement: SBF2 is on the minus strand). VCF-style: chr11-10001009-G-T. GRCh37 (hg19) VCF-style: chr11-10022556-G-T.
Other names: c.766C>A, p.Pro256Thr (NM_001386339.1, NM_001386342.1); short protein forms P256T.
Identifiers: ClinVar variation 245893 (VCV000245893.7), dbSNP rs879253987, ClinGen allele CA10584311.

ClinVar aggregate classification (germline): Uncertain significance. Review status: criteria provided, multiple submitters, no conflicts (2 of 4 stars). 2 submissions from 2 submitters: Uncertain significance (2). Last evaluated 2025-03-26.

Conditions:
Charcot-Marie-Tooth disease type 4. Also called: Charcot-Marie-Tooth disease, type IV; Charcot-Marie-Tooth, Type 4. Identifiers: Orphanet 64749, MedGen C4082197, MONDO:0018995.

Allele frequency attached by ClinVar (database versions not stated): TOPMed below 0.00001.
gnomAD v4.1: 1 of 1,557,894 alleles (0.000064%); highest among the groups gnomAD compares: Non-Finnish European, 0.000089%; no homozygotes.

Submissions (2):

Labcorp Genetics (formerly Invitae), Labcorp
Classification: Uncertain significance for Charcot-Marie-Tooth disease type 4. Last evaluated: 2025-03-26. Review status: criteria provided, single submitter. Criteria: Invitae Variant Classification Sherloc (09022015). Collection method: clinical testing. Allele origin: germline.
Comment: This sequence change replaces proline, which is neutral and non-polar, with threonine, which is neutral and polar, at codon 256 of the SBF2 protein (p.Pro256Thr). This variant is not present in population databases (gnomAD no frequency). This variant has not been reported in the literature in individuals affected with SBF2-related conditions. ClinVar contains an entry for this variant (Variation ID: 245893). Invitae Evidence Modeling of protein sequence and biophysical properties (such as structural, functional, and spatial information, amino acid conservation, physicochemical variation, residue mobility, and thermodynamic stability) indicates that this missense variant is expected to disrupt SBF2 protein function with a positive predictive value of 80%. In summary, the available evidence is currently insufficient to determine the role of this variant in disease. Therefore, it has been classified as a Variant of Uncertain Significance.

GeneDx
Classification: Uncertain significance. Last evaluated: 2017-08-01. Review status: criteria provided, single submitter. Criteria: GeneDx Variant Classification (06012015). Collection method: clinical testing. Allele origin: germline. Affected: yes.
Comment: The P256T variant in the SBF2 gene has not been published as pathogenic, nor has it been reported as a benign polymorphism to our knowledge. The P256T variant was not observed in approximately 6,500 individuals of European and African American ancestry in the NHLBI Exome Sequencing Project, indicating it is not a common benign variant in these populations. The P256T variant is a non-conservative amino acid substitution, which is likely to impact secondary protein structure as these residues differ in polarity, charge, size and/or other properties. This substitution occurs at a position that is conserved across species and in silico analysis predicts this variant is probably damaging to the protein structure/function. We interpret P256T as a variant of unknown significance.